The following is an entry in ClinVar:

NM_021728.4(OTX2):c.871T>A (p.Ser291Thr)

Gene: OTX2 (orthodenticle homeobox 2; minus strand). Cytogenetic location: 14q22.3.
Variant type: single nucleotide variant.
Coding change: c.871T>A on transcript NM_021728.4 (MANE Select); coding-DNA position 871, T replaced by A.
Protein change: p.Ser291Thr; replaces serine 291 with threonine.
Molecular consequence: missense variant. On other transcripts: non-coding transcript variant (2).
Genome position (GRCh38, 1-based): chr14:56,801,758, A>T on the plus strand (T>A on the coding strand, the complement: OTX2 is on the minus strand). VCF-style: chr14-56801758-A-T. GRCh37 (hg19) VCF-style: chr14-57268476-A-T.
Other names: c.847T>A, p.Ser283Thr (NM_001270523.2, NM_001270524.2, NM_172337.3); c.871T>A, p.Ser291Thr (NM_001270525.2); short protein forms S283T, S291T.
Identifiers: ClinVar variation 1353746 (VCV001353746.8), dbSNP rs2139527543, ClinGen allele CA390050929.

ClinVar aggregate classification (germline): Uncertain significance (1 of 4 stars; one submission).

Conditions:
Anophthalmia-microphthalmia syndrome. Also called: Anophthalmia/Microphthalmia; Anophthalmia - microphthalmia. Identifiers: Orphanet 98555, MedGen C5680330, MONDO:0020147.

Submission:

Labcorp Genetics (formerly Invitae), Labcorp
Classification: Uncertain significance for Anophthalmia-microphthalmia syndrome. Last evaluated: 2023-10-05. Review status: criteria provided, single submitter. Criteria: Invitae Variant Classification Sherloc (09022015). Collection method: clinical testing. Allele origin: germline.
Comment: This sequence change replaces serine, which is neutral and polar, with threonine, which is neutral and polar, at codon 283 of the OTX2 protein (p.Ser283Thr). This variant is not present in population databases (gnomAD no frequency). This variant has not been reported in the literature in individuals affected with OTX2-related conditions. ClinVar contains an entry for this variant (Variation ID: 1353746). An algorithm developed to predict the effect of missense changes on protein structure and function (PolyPhen-2) suggests that this variant is likely to be disruptive. In summary, the available evidence is currently insufficient to determine the role of this variant in disease. Therefore, it has been classified as a Variant of Uncertain Significance.